The following is an entry in ClinVar:

GRCh38/hg38 3p25.1(chr3:15488109-15489735)x0

Gene: COLQ (collagen like tail subunit of asymmetric acetylcholinesterase; minus strand). Cytogenetic location: 3p25.1.
Variant type: copy number loss.
Change: copy number 0 (both copies lost) of chr3:15,488,109-15,489,735 (1.6 kb, GRCh38 coordinates, 1-based), cytogenetic band 3p25.1.
Identifiers: ClinVar variation 2579192 (VCV002579192.1).

ClinVar aggregate classification (germline): Pathogenic (1 of 4 stars; one submission).

Conditions:
Congenital myasthenic syndrome 5. Identifiers: Orphanet 590, MedGen C1864233, MONDO:0011281, OMIM 603034.

Submission:

Broad Center for Mendelian Genomics, Broad Institute of MIT and Harvard
Classification: Pathogenic for Congenital myasthenic syndrome 5. Last evaluated: 2023-08-24. Review status: criteria provided, single submitter. Criteria: ACMG/ClinGen CNV Guidelines, 2019. Collection method: research. Allele origin: inherited. Inheritance: Autosomal recessive inheritance. Affected: yes.
Comment: A homozygous deletion of exons 2-3 in COLQ (NM_005677.4) was identified by exome sequencing in two siblings with congenital myasthenic syndrome ([GRCh 38] chr3:15488109_15489735x0). These breakpoints have been estimated by exome sequencing only and therefore may not reflect the true breakpoints. The patient phenotypes are nonspecific, but are consistent with cases described in the literature and/or published databases with overlapping variants. This intragenic variant is predicted to cause a frameshift, which alters the protein’s amino acid sequence beginning at exon 2 and leads to a premature termination codon. This alteration is then predicted to lead to a truncated or absent protein. Loss of function of COLQ is an established disease mechanism in autosomal recessive congenital myasthenic syndrome. In summary, this variant meets criteria to be classified as pathogenic for autosomal recessive congenital myasthenic syndrome. The ACMG/ClinGen evidence codes and points used in this curation are as follows: 1: 0 points, 2: 0.9 points, 3: 0 points, 4-5: 0.15 points; Total: 1.05 points; Riggs 2020 (PMID: 31690835).